The following is an entry in ClinVar:

NM_033026.6(PCLO):c.6176T>C (p.Leu2059Pro)

Gene: PCLO (piccolo presynaptic cytomatrix protein; minus strand). Cytogenetic location: 7q21.11.
Variant type: single nucleotide variant.
Coding change: c.6176T>C on transcript NM_033026.6 (MANE Select); coding-DNA position 6176, T replaced by C.
Protein change: p.Leu2059Pro; replaces leucine 2059 with proline.
Molecular consequence: missense variant.
Genome position (GRCh38, 1-based): chr7:82,954,777, A>G on the plus strand (T>C on the coding strand, the complement: PCLO is on the minus strand). VCF-style: chr7-82954777-A-G. GRCh37 (hg19) VCF-style: chr7-82584093-A-G.
Other names: c.6176T>C, p.Leu2059Pro (NM_014510.3); short protein forms L2059P.
Identifiers: ClinVar variation 2778768 (VCV002778768.3), dbSNP rs2535703720, ClinGen allele CA367920397.

ClinVar aggregate classification (germline): Uncertain significance (1 of 4 stars; one submission).

Allele frequency attached by ClinVar (database versions not stated): gnomAD exomes below 0.00001.
gnomAD v4.1: 1 of 1,613,788 alleles (0.000062%); highest among the groups gnomAD compares: Non-Finnish European, 0.000085%; no homozygotes.

Submission:

Labcorp Genetics (formerly Invitae), Labcorp
Classification: Uncertain significance. Last evaluated: 2023-04-12. Review status: criteria provided, single submitter. Criteria: Invitae Variant Classification Sherloc (09022015). Collection method: clinical testing. Allele origin: germline.
Comment: This sequence change replaces leucine, which is neutral and non-polar, with proline, which is neutral and non-polar, at codon 2059 of the PCLO protein (p.Leu2059Pro). This variant is not present in population databases (gnomAD no frequency). This variant has not been reported in the literature in individuals affected with PCLO-related conditions. Experimental studies and prediction algorithms are not available or were not evaluated, and the functional significance of this variant is currently unknown. In summary, the available evidence is currently insufficient to determine the role of this variant in disease. Therefore, it has been classified as a Variant of Uncertain Significance.